The following is an entry in ClinVar:

ClinVar aggregate classification (germline): Uncertain significance (1 of 4 stars; one submission).

Submission:

Labcorp Genetics (formerly Invitae), Labcorp
Classification: Uncertain significance. Last evaluated: 2022-07-25. Review status: criteria provided, single submitter. Criteria: Invitae Variant Classification Sherloc (09022015). Collection method: clinical testing. Allele origin: germline.
Comment: Advanced modeling of protein sequence and biophysical properties (such as structural, functional, and spatial information, amino acid conservation, physicochemical variation, residue mobility, and thermodynamic stability) performed at Invitae indicates that this missense variant is not expected to disrupt TPP1 protein function. In summary, the available evidence is currently insufficient to determine the role of this variant in disease. Therefore, it has been classified as a Variant of Uncertain Significance. ClinVar contains an entry for this variant (Variation ID: 653229). This variant has not been reported in the literature in individuals affected with TPP1-related conditions. This variant is not present in population databases (gnomAD no frequency). This sequence change replaces threonine, which is neutral and polar, with isoleucine, which is neutral and non-polar, at codon 191 of the TPP1 protein (p.Thr191Ile).

NM_000391.4(TPP1):c.572C>T (p.Thr191Ile)

Gene: TPP1 (tripeptidyl peptidase 1; minus strand). Cytogenetic location: 11p15.4.
Variant type: single nucleotide variant.
Coding change: c.572C>T on transcript NM_000391.4 (MANE Select); coding-DNA position 572, C replaced by T.
Protein change: p.Thr191Ile; replaces threonine 191 with isoleucine.
Molecular consequence: missense variant.
Genome position (GRCh38, 1-based): chr11:6,617,090, G>A on the plus strand (C>T on the coding strand, the complement: TPP1 is on the minus strand). VCF-style: chr11-6617090-G-A. GRCh37 (hg19) VCF-style: chr11-6638321-G-A.
Other names: short protein forms T191I.
Identifiers: ClinVar variation 653229 (VCV000653229.8), dbSNP rs1589948627, ClinGen allele CA379475538.